The following is an entry in ClinVar:

ClinVar aggregate classification (germline): Likely benign (1 of 4 stars; one submission).

gnomAD v4.1: 3 of 1,614,150 alleles (0.00019%); highest among the groups gnomAD compares: East Asian, 0.0045%; no homozygotes.

Submission:

CeGaT Center for Human Genetics Tuebingen
Classification: Likely benign. Last evaluated: 2022-06-01. Review status: criteria provided, single submitter. Criteria: CeGaT Center For Human Genetics Tuebingen Variant Classification Criteria Version 2. Collection method: clinical testing. Allele origin: germline. Affected: yes. Observed: 1 variant allele.
Comment: ATL1: BP4, BP7

NM_015915.5(ATL1):c.1212G>A (p.Gly404=)

Gene: ATL1 (atlastin GTPase 1; plus strand). Cytogenetic location: 14q22.1.
Variant type: single nucleotide variant.
Coding change: c.1212G>A on transcript NM_015915.5 (MANE Select); coding-DNA position 1212, G replaced by A.
Protein change: p.Gly404=; no amino-acid change (glycine 404 retained).
Molecular consequence: synonymous variant.
Genome position (GRCh38, 1-based): chr14:50,628,123, G>A. VCF-style: chr14-50628123-G-A. GRCh37 (hg19) VCF-style: chr14-51094841-G-A.
Other names: c.1212G>A, p.Gly404= (NM_001127713.1, NM_181598.4).
Identifiers: ClinVar variation 2644231 (VCV002644231.24), dbSNP rs1468685951, ClinGen allele CA486191868.